The following is an entry in ClinVar:

NM_006031.6(PCNT):c.5855C>T (p.Ala1952Val)

Gene: PCNT (pericentrin; plus strand). Cytogenetic location: 21q22.3.
Variant type: single nucleotide variant.
Coding change: c.5855C>T on transcript NM_006031.6 (MANE Select); coding-DNA position 5855, C replaced by T.
Protein change: p.Ala1952Val; replaces alanine 1952 with valine.
Molecular consequence: missense variant.
Genome position (GRCh38, 1-based): chr21:46,411,928, C>T. VCF-style: chr21-46411928-C-T. GRCh37 (hg19) VCF-style: chr21-47831842-C-T.
Other names: c.5501C>T, p.Ala1834Val (NM_001315529.2); short protein forms A1952V, A1834V.
Identifiers: ClinVar variation 287397 (VCV000287397.18), dbSNP rs370664761, ClinGen allele CA10080102.

ClinVar aggregate classification (germline): Uncertain significance. Review status: criteria provided, multiple submitters, no conflicts (2 of 4 stars). 7 submissions from 7 submitters: Uncertain significance (6). 1 of the submissions does not count toward it. Last evaluated 2024-02-12.

Conditions:
Microcephalic osteodysplastic primordial dwarfism type II (MOPD2). Also called: MOPD II; Microcephalic osteodysplastic primordial dwarfism with tooth abnormalities; OSTEODYSPLASTIC PRIMORDIAL DWARFISM, TYPE II. Identifiers: Orphanet 2637, MedGen C0432246, MONDO:0008872, OMIM 210720.
PCNT-related disorder. Also called: PCNT-related condition.

Allele frequency attached by ClinVar (database versions not stated): TOPMed 0.00046; gnomAD 0.00047 and 0.00052; 1000 Genomes Project 0.00060; 1000 Genomes Project 30x 0.00062; ExAC 0.00022; ESP Exome Variant Server 0.00024.
gnomAD v4.1: 145 of 1,591,626 alleles (0.0091%); highest among the groups gnomAD compares: African/African-American, 0.18%; 1 homozygote.

Submissions (7):

Blueprint Genetics
Classification: Uncertain significance. Last evaluated: 2024-02-12. Review status: criteria provided, single submitter. Criteria: ACMG Guidelines, 2015. Collection method: clinical testing. Allele origin: germline.

Labcorp Genetics (formerly Invitae), Labcorp
Classification: Uncertain significance. Last evaluated: 2022-08-20. Review status: criteria provided, single submitter. Criteria: Invitae Variant Classification Sherloc (09022015). Collection method: clinical testing. Allele origin: germline.
Comment: This sequence change replaces alanine, which is neutral and non-polar, with valine, which is neutral and non-polar, at codon 1952 of the PCNT protein (p.Ala1952Val). This variant is present in population databases (rs370664761, gnomAD 0.2%). This variant has not been reported in the literature in individuals affected with PCNT-related conditions. ClinVar contains an entry for this variant (Variation ID: 287397). Algorithms developed to predict the effect of missense changes on protein structure and function are either unavailable or do not agree on the potential impact of this missense change (SIFT: "Tolerated"; PolyPhen-2: "Possibly Damaging"; Align-GVGD: "Class C0"). Algorithms developed to predict the effect of sequence changes on RNA splicing suggest that this variant may create or strengthen a splice site. In summary, the available evidence is currently insufficient to determine the role of this variant in disease. Therefore, it has been classified as a Variant of Uncertain Significance.

Fulgent Genetics
Classification: Uncertain significance for Microcephalic osteodysplastic primordial dwarfism type II. Last evaluated: 2018-10-31. Review status: criteria provided, single submitter. Criteria: ACMG Guidelines, 2015. Collection method: clinical testing. Allele origin: unknown.

Illumina Laboratory Services, Illumina
Classification: Uncertain significance for Microcephalic osteodysplastic primordial dwarfism type II. Last evaluated: 2018-01-13. Review status: criteria provided, single submitter. Criteria: ICSL Variant Classification Criteria 13 December 2019. Collection method: clinical testing. Allele origin: germline.

Eurofins Ntd Llc (ga)
Classification: Uncertain significance. Last evaluated: 2016-06-02. Review status: criteria provided, single submitter. Criteria: EGL Classification Definitions 2015. Collection method: clinical testing. Allele origin: germline. Observed: 1 variant allele, 1 heterozygote.

Genetic Services Laboratory, University of Chicago
Classification: Uncertain significance. Last evaluated: 2016-04-27. Review status: criteria provided, single submitter. Criteria: ACMG Guidelines, 2015. Collection method: clinical testing. Allele origin: germline. Affected: no.

PreventionGenetics, part of Exact Sciences
Classification: Likely benign for PCNT-related condition. Last evaluated: 2022-02-11. Review status: no assertion criteria provided. Collection method: clinical testing. Allele origin: germline. Not counted in ClinVar's aggregate classification.
Comment: This variant is classified as likely benign based on ACMG/AMP sequence variant interpretation guidelines (Richards et al. 2015 PMID: 25741868, with internal and published modifications).